The following is an entry in ClinVar:

ClinVar aggregate classification (germline): Pathogenic (1 of 4 stars; one submission).

Submission:

GeneDx
Classification: Pathogenic. Last evaluated: 2025-05-30. Review status: criteria provided, single submitter. Criteria: GeneDx Variant Classification Process June 2021. Collection method: clinical testing. Allele origin: germline. Affected: yes.
Comment: Not observed at significant frequency in large population cohorts (gnomAD); In silico analysis supports that this missense variant has a deleterious effect on protein structure/function; Has not been previously published as pathogenic or benign to our knowledge

NM_001040142.2(SCN2A):c.668G>T (p.Arg223Leu)

Gene: SCN2A (sodium voltage-gated channel alpha subunit 2; plus strand). Cytogenetic location: 2q24.3.
Variant type: single nucleotide variant.
Coding change: c.668G>T on transcript NM_001040142.2 (MANE Select); coding-DNA position 668, G replaced by T.
Protein change: p.Arg223Leu; replaces arginine 223 with leucine.
Molecular consequence: missense variant. On other transcripts: intron variant (2).
Genome position (GRCh38, 1-based): chr2:165,309,414, G>T. VCF-style: chr2-165309414-G-T. GRCh37 (hg19) VCF-style: chr2-166165924-G-T.
Other names: c.668G>T, p.Arg223Leu (NM_001371247.1, NM_021007.3); c.697+158G>T (NM_001040143.2, NM_001371246.1); short protein forms R223L.
Identifiers: ClinVar variation 4532322 (VCV004532322.1).
Genomic context (GRCh38, chr2:165,309,414, plus strand): 5'-ATGTGACAGAGTTTGTGGACCTGGGCAATGTCTCAGCGTTGAGAACATTCAGAGTTCTCC[G>T]AGCATTGAAAACAATTTCAGTCATTCCAGGTGAGAGCTAGGTTAAACACCGAGGCTGACT-3'
Protein context (NP_001035232.1, residues 213-233): VSALRTFRVL[Arg223Leu]ALKTISVIPG